The following is an entry in ClinVar:

ClinVar aggregate classification (germline): Pathogenic. Review status: criteria provided, multiple submitters, no conflicts (2 of 4 stars). 2 submissions from 2 submitters: Pathogenic (2). Last evaluated 2024-02-24.

Conditions:
Congenital myotonia, autosomal dominant form (THD). Also called: Myotonia congenita autosomal dominant; THOMSEN DISEASE. Identifiers: Orphanet 614, MedGen C2936781, MONDO:0008055, OMIM 160800.
Congenital myotonia, autosomal recessive form. Also called: Becker Generalized Myotonia; myotonia congenita, autosomal recessive; BECKER DISEASE. Identifiers: Orphanet 614, MedGen C0751360, MONDO:0009715, OMIM 255700.

Submissions (2):

Labcorp Genetics (formerly Invitae), Labcorp
Classification: Pathogenic for Congenital myotonia, autosomal recessive form; Congenital myotonia, autosomal dominant form. Last evaluated: 2024-02-24. Review status: criteria provided, single submitter. Criteria: Invitae Variant Classification Sherloc (09022015). Collection method: clinical testing. Allele origin: germline.
Comment: This sequence change creates a premature translational stop signal (p.Gln675Lysfs*119) in the CLCN1 gene. It is expected to result in an absent or disrupted protein product. Loss-of-function variants in CLCN1 are known to be pathogenic (PMID: 17932099, 22094069, 23739125). This variant is not present in population databases (gnomAD no frequency). This variant has not been reported in the literature in individuals affected with CLCN1-related conditions. ClinVar contains an entry for this variant (Variation ID: 280880). For these reasons, this variant has been classified as Pathogenic.

GeneDx
Classification: Pathogenic. Last evaluated: 2016-09-23. Review status: criteria provided, single submitter. Criteria: GeneDx Variant Classification (06012015). Collection method: clinical testing. Allele origin: germline. Affected: yes.
Comment: The c.2023delC pathogenic variant in the CLCN1 gene has not been reported previously as a pathogenic variant nor as a benign variant, to our knowledge. The c.2023delC variant causes a frameshift starting with codon Glutamine 675, changes this amino acid to a Lysine residue, and creates a premature Stop codon at position 119 of the new reading frame, denoted p.Gln675LysfsX119. This variant is predicted to cause loss of normal protein function either through protein truncation or nonsense-mediated mRNA decay. The c.2023delC variant was not observed in approximately 6400 individuals of European and African American ancestry in the NHLBI Exome Sequencing Project, indicating it is not a common benign variant in these populations. We interpret c.2023delC as a pathogenic variant.

Literature cited by the submitters: PubMed 17932099 (cited by Labcorp Genetics (formerly Invitae), Labcorp); PubMed 22094069 (cited by Labcorp Genetics (formerly Invitae), Labcorp); PubMed 23739125 (cited by Labcorp Genetics (formerly Invitae), Labcorp).

NM_000083.3(CLCN1):c.2023del (p.Gln675fs)

Genes: CLCN1 (chloride voltage-gated channel 1; plus strand), LOC123956257 (Sharpr-MPRA regulatory region 4117; plus strand). Cytogenetic location: 7q34.
Variant type: Deletion.
Coding change: c.2023del on transcript NM_000083.3 (MANE Select); coding-DNA position 2023, one base deleted (C; older notation c.2023delC).
Protein change: p.Gln675fs; shifts the reading frame from glutamine 675.
Molecular consequence: frameshift variant. On other transcripts: non-coding transcript variant (1).
Genome position (GRCh38, 1-based): chr7:143,345,613, C deleted; the last of 3 consecutive C bases (chr7:143,345,611-143,345,613); deleting any one gives the same sequence. VCF-style (leftmost placement, unchanged base first): chr7-143345610-GC-G. GRCh37 (hg19) VCF-style: chr7-143042703-GC-G.
Other names: short protein forms Q675fs.
Identifiers: ClinVar variation 280880 (VCV000280880.6), dbSNP rs886042007, ClinGen allele CA10603015.